The following is an entry in ClinVar:

NM_000718.4(CACNA1B):c.3068+23T>A

Gene: CACNA1B (calcium voltage-gated channel subunit alpha1 B; plus strand). Cytogenetic location: 9q34.3.
Variant type: single nucleotide variant.
Coding change: c.3068+23T>A on transcript NM_000718.4 (MANE Select); 23 bases into the intron after coding-DNA position 3068, T replaced by A.
Molecular consequence: intron variant.
Genome position (GRCh38, 1-based): chr9:138,023,834, T>A. VCF-style: chr9-138023834-T-A. GRCh37 (hg19) VCF-style: chr9-140918286-T-A.
Other names: c.3068+23T>A (NM_001243812.2).
Identifiers: ClinVar variation 1693087 (VCV001693087.2), dbSNP rs201765274, ClinGen allele CA5376519.

ClinVar aggregate classification (germline): Likely benign (1 of 4 stars; one submission).

Allele frequency attached by ClinVar (database versions not stated): gnomAD exomes 0.00066 and 0.00146; ExAC 0.00228; gnomAD 0.00776 and 0.00828; ESP Exome Variant Server 0.00778; TOPMed 0.00914; 1000 Genomes Project 0.00919; 1000 Genomes Project 30x 0.01062.
gnomAD v4.1: 1,898 of 1,189,306 alleles (0.16%); highest among the groups gnomAD compares: African/African-American, 2.5%; 18 homozygotes.

Submission:

GeneDx
Classification: Likely benign. Last evaluated: 2021-12-24. Review status: criteria provided, single submitter. Criteria: GeneDx Variant Classification Process June 2021. Collection method: clinical testing. Allele origin: germline. Affected: yes.
Comment: See Variant Classification Assertion Criteria.